The following is an entry in ClinVar:

NM_018972.4(GDAP1):c.714G>A (p.Trp238Ter)

Gene: GDAP1 (ganglioside induced differentiation associated protein 1; plus strand). Cytogenetic location: 8q21.11.
Variant type: single nucleotide variant.
Coding change: c.714G>A on transcript NM_018972.4 (MANE Select); coding-DNA position 714, G replaced by A.
Protein change: p.Trp238Ter; replaces tryptophan 238 with a stop codon.
Molecular consequence: nonsense. On other transcripts: intron variant (1).
Genome position (GRCh38, 1-based): chr8:74,364,004, G>A. VCF-style: chr8-74364004-G-A. GRCh37 (hg19) VCF-style: chr8-75276239-G-A.
Other names: c.694+951G>A (NM_001362931.2); c.510G>A, p.Trp170Ter (NM_001040875.4); c.387G>A, p.Trp129Ter (NM_001362929.2, NM_001362932.2); c.540G>A, p.Trp180Ter (NM_001362930.2); short protein forms W180*, W238*, W170*, W129*.
Identifiers: ClinVar variation 2176526 (VCV002176526.5), dbSNP rs2536749929, ClinGen allele CA371549889.

ClinVar aggregate classification (germline): Pathogenic. Review status: criteria provided, single submitter (1 of 4 stars). 2 submissions from 2 submitters: Pathogenic (1). 1 of the submissions does not count toward it. Last evaluated 2022-08-23.

Conditions:
Charcot-Marie-Tooth disease type 4A. Also called: Charcot-Marie-Tooth disease, demyelinating, autosomal recessive, type 4a. Identifiers: Orphanet 99948, MedGen C1859198, MONDO:0008961, OMIM 214400.

gnomAD v4.1: 2 of 1,613,982 alleles (0.00012%); highest among the groups gnomAD compares: Non-Finnish European, 0.00017%; no homozygotes.

Submissions (2):

Labcorp Genetics (formerly Invitae), Labcorp
Classification: Pathogenic for Charcot-Marie-Tooth disease type 4A. Last evaluated: 2022-08-23. Review status: criteria provided, single submitter. Criteria: Invitae Variant Classification Sherloc (09022015). Collection method: clinical testing. Allele origin: germline.
Comment: For these reasons, this variant has been classified as Pathogenic. This variant disrupts a region of the GDAP1 protein in which other variant(s) (p.Arg341Glnfs*12) have been determined to be pathogenic (Invitae). This suggests that this is a clinically significant region of the protein, and that variants that disrupt it are likely to be disease-causing. This premature translational stop signal has been observed in individual(s) with Charcot-Marie-Tooth disease (PMID: 25614874). This variant is not present in population databases (gnomAD no frequency). This sequence change creates a premature translational stop signal (p.Trp238*) in the GDAP1 gene. While this is not anticipated to result in nonsense mediated decay, it is expected to disrupt the last 121 amino acid(s) of the GDAP1 protein.

Inherited Neuropathy Consortium Ii, University Of Miami
Classification: Uncertain significance for Charcot-Marie-Tooth disease type 4A. Last evaluated: 2017-05-08. Review status: no assertion criteria provided. Collection method: literature only. Allele origin: germline. Affected: yes. Not counted in ClinVar's aggregate classification.

Literature cited by the submitters: PubMed 25614874 (cited by Labcorp Genetics (formerly Invitae), Labcorp and Inherited Neuropathy Consortium Ii, University Of Miami).